The following is an entry in ClinVar:

NM_172107.4(KCNQ2):c.2446G>T (p.Ala816Ser)

Gene: KCNQ2 (potassium voltage-gated channel subfamily Q member 2; minus strand). Cytogenetic location: 20q13.33.
Variant type: single nucleotide variant.
Coding change: c.2446G>T on transcript NM_172107.4 (MANE Select); coding-DNA position 2446, G replaced by T.
Protein change: p.Ala816Ser; replaces alanine 816 with serine.
Molecular consequence: missense variant.
Genome position (GRCh38, 1-based): chr20:63,406,817, C>A on the plus strand (G>T on the coding strand, the complement: KCNQ2 is on the minus strand). VCF-style: chr20-63406817-C-A. GRCh37 (hg19) VCF-style: chr20-62038170-C-A.
Other names: c.2500G>T, p.Ala834Ser (NM_001382235.1); c.2362G>T, p.Ala788Ser (NM_004518.6); c.2392G>T, p.Ala798Ser (NM_172106.3); c.2353G>T, p.Ala785Ser (NM_172108.5); short protein forms A785S, A788S, A798S, A816S, A834S.
Identifiers: ClinVar variation 1023639 (VCV001023639.9), dbSNP rs796052660, ClinGen allele CA409637042.

ClinVar aggregate classification (germline): Uncertain significance (1 of 4 stars; one submission).

Conditions:
Early-infantile DEE. Also called: Ohtahara syndrome; Early infantile epileptic encephalopathy; Early infantile epileptic encephalopathy with suppression bursts. Identifiers: Orphanet 1934, MedGen C0393706, MONDO:0800491.

Allele frequency attached by ClinVar (database versions not stated): gnomAD exomes below 0.00001.
gnomAD v4.1: 1 of 1,612,620 alleles (0.000062%); highest among the groups gnomAD compares: Non-Finnish European, 0.000085%; no homozygotes.

Submission:

Labcorp Genetics (formerly Invitae), Labcorp
Classification: Uncertain significance for Early-infantile DEE. Last evaluated: 2023-07-30. Review status: criteria provided, single submitter. Criteria: Invitae Variant Classification Sherloc (09022015). Collection method: clinical testing. Allele origin: germline.
Comment: ClinVar contains an entry for this variant (Variation ID: 1023639). This variant has not been reported in the literature in individuals affected with KCNQ2-related conditions. This variant is not present in population databases (gnomAD no frequency). This sequence change replaces alanine, which is neutral and non-polar, with serine, which is neutral and polar, at codon 816 of the KCNQ2 protein (p.Ala816Ser). An algorithm developed to predict the effect of missense changes on protein structure and function (PolyPhen-2) suggests that this variant is likely to be tolerated. In summary, the available evidence is currently insufficient to determine the role of this variant in disease. Therefore, it has been classified as a Variant of Uncertain Significance.